The following is an entry in ClinVar:

NM_004329.3(BMPR1A):c.177A>G (p.Leu59=)

Gene: BMPR1A (bone morphogenetic protein receptor type 1A; plus strand). Cytogenetic location: 10q23.2.
Variant type: single nucleotide variant.
Coding change: c.177A>G on transcript NM_004329.3 (MANE Select); coding-DNA position 177, A replaced by G.
Protein change: p.Leu59=; no amino-acid change (leucine 59 retained).
Molecular consequence: synonymous variant.
Genome position (GRCh38, 1-based): chr10:86,890,171, A>G. VCF-style: chr10-86890171-A-G. GRCh37 (hg19) VCF-style: chr10-88649928-A-G.
Identifiers: ClinVar variation 1143765 (VCV001143765.10), dbSNP rs1030150137, ClinGen allele CA470304564.

ClinVar aggregate classification (germline): Benign/Likely benign. Review status: criteria provided, multiple submitters, no conflicts (2 of 4 stars). 2 submissions from 2 submitters: Benign (1); Likely benign (1). Last evaluated 2024-07-31.

Conditions:
Juvenile polyposis syndrome (JPS). Identifiers: Orphanet 2929, MedGen C0345893, MONDO:0017380, OMIM 174900.

gnomAD v4.1: 1 of 1,614,190 alleles (0.000062%); no homozygotes.

Submissions (2):

Myriad Genetics, Inc.
Classification: Benign for Juvenile polyposis syndrome. Last evaluated: 2024-07-31. Review status: criteria provided, single submitter. Criteria: Myriad Autosomal Dominant, Autosomal Recessive and X-Linked Classification Criteria (2023). Collection method: clinical testing. Allele origin: unknown.
Comment: This variant is considered benign. This variant is a silent/synonymous amino acid change and it is not expected to impact splicing.

Labcorp Genetics (formerly Invitae), Labcorp
Classification: Likely benign for Juvenile polyposis syndrome. Last evaluated: 2019-09-23. Review status: criteria provided, single submitter. Criteria: Invitae Variant Classification Sherloc (09022015). Collection method: clinical testing. Allele origin: germline.